The following is an entry in ClinVar:

NM_022095.4(ZNF335):c.2047T>C (p.Cys683Arg)

Gene: ZNF335 (zinc finger protein 335; minus strand). Cytogenetic location: 20q13.12.
Variant type: single nucleotide variant.
Coding change: c.2047T>C on transcript NM_022095.4 (MANE Select); coding-DNA position 2047, T replaced by C.
Protein change: p.Cys683Arg; replaces cysteine 683 with arginine.
Molecular consequence: missense variant.
Genome position (GRCh38, 1-based): chr20:45,959,407, A>G on the plus strand (T>C on the coding strand, the complement: ZNF335 is on the minus strand). VCF-style: chr20-45959407-A-G. GRCh37 (hg19) VCF-style: chr20-44588046-A-G.
Other names: short protein forms C683R.
Identifiers: ClinVar variation 1806088 (VCV001806088.2), dbSNP rs2515552203, ClinGen allele CA409245247.

ClinVar aggregate classification (germline): Uncertain significance (1 of 4 stars; one submission).

Conditions:
Microcephalic primordial dwarfism due to ZNF335 deficiency. Also called: Primary autosomal recessive microcephaly 10. Identifiers: Orphanet 329228, MedGen C3554499, MONDO:0014043, OMIM 615095.

Submission:

Victorian Clinical Genetics Services, Murdoch Childrens Research Institute
Classification: Uncertain significance for Microcephalic primordial dwarfism due to ZNF335 deficiency. Last evaluated: 2023-07-17. Review status: criteria provided, single submitter. Criteria: ACMG Guidelines, 2015. Collection method: clinical testing. Allele origin: germline. Inheritance: Autosomal recessive inheritance. Affected: yes.
Comment: Based on the classification scheme VCGS_Germline_v1.3.4, this variant is classified as VUS-3A. Following criteria are met: 0102 - Loss of function is a known mechanism of disease in this gene and is associated with primary microcephaly 10 (MIM#615095). (I) 0106 - This gene is associated with autosomal recessive disease. (I) 0200 - Variant is predicted to result in a missense amino acid change from cysteine to arginine. (I) 0251 - This variant is heterozygous. (I) 0301 - Variant is absent from gnomAD (both v2 and v3). (SP) 0501 - Missense variant consistently predicted to be damaging by multiple in silico tools and highly conserved with a major amino acid change. (SP) 0601 - Variant is located in the well-established functional cysteine residue within a zinc finger motif (UniProt). (SP) 0705 - No comparable missense variants have previous evidence for pathogenicity. (I) 0807 - This variant has no previous evidence of pathogenicity. (I) 0905 - No published segregation evidence has been identified for this variant. (I) Legend: (SP) - Supporting pathogenic, (I) - Information, (SB) - Supporting benign